The following is an entry in ClinVar:

ClinVar aggregate classification (germline): Pathogenic/Likely pathogenic. Review status: criteria provided, multiple submitters, no conflicts (2 of 4 stars). 4 submissions from 4 submitters: Pathogenic (3); Likely pathogenic (1). Last evaluated 2025-05-30.

Conditions:
Hereditary cancer-predisposing syndrome. Also called: Hereditary neoplastic syndrome; Tumor predisposition; Neoplastic Syndromes, Hereditary; Hereditary Cancer Syndrome. Identifiers: Orphanet 140162, MedGen C0027672, MeSH D009386, MONDO:0015356.
Hereditary diffuse gastric adenocarcinoma (HDGC). Also called: DIFFUSE GASTRIC AND LOBULAR BREAST CANCER SYNDROME. Identifiers: Orphanet 26106, MedGen C1708349, MONDO:0007648, OMIM 137215.

Allele frequency attached by ClinVar (database versions not stated): TOPMed below 0.00001.
gnomAD v4.1: 4 of 1,614,162 alleles (0.00025%); highest among the groups gnomAD compares: Non-Finnish European, 0.00034%; no homozygotes.

Submissions (4):

Labcorp Genetics (formerly Invitae), Labcorp
Classification: Pathogenic. Last evaluated: 2025-05-30. Review status: criteria provided, single submitter. Criteria: Invitae Variant Classification Sherloc (09022015). Collection method: clinical testing. Allele origin: germline.
Comment: This sequence change creates a premature translational stop signal (p.Arg546*) in the CTNNA1 gene. It is expected to result in an absent or disrupted protein product. Loss-of-function variants in CTNNA1 are known to be pathogenic (PMID: 32051609, 34425242). This variant is not present in population databases (gnomAD no frequency). This variant has not been reported in the literature in individuals affected with CTNNA1-related conditions. ClinVar contains an entry for this variant (Variation ID: 952124). For these reasons, this variant has been classified as Pathogenic.

Ambry Genetics
Classification: Pathogenic for Hereditary cancer-predisposing syndrome. Last evaluated: 2025-05-28. Review status: criteria provided, single submitter. Criteria: Ambry Variant Classification Scheme 2023. Collection method: clinical testing. Allele origin: germline.
Comment: The p.R546* variant (also known as c.1636C>T), located in coding exon 11 of the CTNNA1 gene, results from a C to T substitution at nucleotide position 1636. This changes the amino acid from an arginine to a stop codon within coding exon 11. This alteration is expected to result in loss of function by premature protein truncation or nonsense-mediated mRNA decay. As such, this alteration is interpreted as a disease-causing mutation.

GeneDx
Classification: Likely pathogenic. Last evaluated: 2023-10-05. Review status: criteria provided, single submitter. Criteria: GeneDx Variant Classification Process June 2021. Collection method: clinical testing. Allele origin: germline. Affected: yes.
Comment: Nonsense variant predicted to result in protein truncation or nonsense mediated decay in a gene for which loss of function is a known mechanism of disease; Not observed at significant frequency in large population cohorts (gnomAD); Has not been previously published as pathogenic or benign to our knowledge

Myriad Genetics, Inc.
Classification: Pathogenic for Hereditary diffuse gastric adenocarcinoma. Last evaluated: 2023-07-05. Review status: criteria provided, single submitter. Criteria: Myriad Autosomal Dominant, Autosomal Recessive and X-Linked Classification Criteria (2023). Collection method: clinical testing. Allele origin: unknown.
Comment: This variant is considered pathogenic. This variant creates a termination codon and is predicted to result in premature protein truncation.

Literature cited by the submitters: PubMed 32051609 (cited by Labcorp Genetics (formerly Invitae), Labcorp); PubMed 34425242 (cited by Labcorp Genetics (formerly Invitae), Labcorp).

NM_001903.5(CTNNA1):c.1636C>T (p.Arg546Ter)

Gene: CTNNA1 (catenin alpha 1; plus strand). Cytogenetic location: 5q31.2.
Variant type: single nucleotide variant.
Coding change: c.1636C>T on transcript NM_001903.5 (MANE Select); coding-DNA position 1636, C replaced by T.
Protein change: p.Arg546Ter; replaces arginine 546 with a stop codon.
Molecular consequence: nonsense.
Genome position (GRCh38, 1-based): chr5:138,924,599, C>T. VCF-style: chr5-138924599-C-T. GRCh37 (hg19) VCF-style: chr5-138260288-C-T.
Other names: c.1636C>T, p.Arg546Ter (NM_001290307.3, NM_001323982.2, NM_001323983.1 and 2 more transcripts); c.1327C>T, p.Arg443Ter (NM_001290309.3); c.1267C>T, p.Arg423Ter (NM_001290310.3); c.526C>T, p.Arg176Ter (NM_001290312.1, NM_001323987.1, NM_001323988.1 and 17 more transcripts); c.1543C>T, p.Arg515Ter (NM_001323986.2); c.187C>T, p.Arg63Ter (NM_001324006.1, NM_001324007.1, NM_001324008.1 and 2 more transcripts); c.433C>T, p.Arg145Ter (NM_001324011.1); c.283C>T, p.Arg95Ter (NM_001324012.1, NM_001324013.1); short protein forms R145*, R546*, R423*, R443*, R176*, R95*, R515*, R63*.
Identifiers: ClinVar variation 952124 (VCV000952124.14), dbSNP rs1763609978, ClinGen allele CA361131871.